The following is an entry in ClinVar:

NM_003322.6(TULP1):c.1535A>G (p.Asp512Gly)

Gene: TULP1 (TUB like protein 1; minus strand). Cytogenetic location: 6p21.31.
Variant type: single nucleotide variant.
Coding change: c.1535A>G on transcript NM_003322.6 (MANE Select); coding-DNA position 1535, A replaced by G.
Protein change: p.Asp512Gly; replaces aspartic acid 512 with glycine.
Molecular consequence: missense variant.
Genome position (GRCh38, 1-based): chr6:35,498,421, T>C on the plus strand (A>G on the coding strand, the complement: TULP1 is on the minus strand). VCF-style: chr6-35498421-T-C. GRCh37 (hg19) VCF-style: chr6-35466198-T-C.
Other names: c.1376A>G, p.Asp459Gly (NM_001289395.2); short protein forms D459G, D512G.
Identifiers: ClinVar variation 1045659 (VCV001045659.7), dbSNP rs1581734784, ClinGen allele CA363778321.

ClinVar aggregate classification (germline): Uncertain significance (1 of 4 stars; one submission).

Submission:

Labcorp Genetics (formerly Invitae), Labcorp
Classification: Uncertain significance. Last evaluated: 2021-03-04. Review status: criteria provided, single submitter. Criteria: Invitae Variant Classification Sherloc (09022015). Collection method: clinical testing. Allele origin: germline.
Comment: This variant is not present in population databases (ExAC no frequency). This variant has not been reported in the literature in individuals with TULP1-related conditions. Algorithms developed to predict the effect of missense changes on protein structure and function are either unavailable or do not agree on the potential impact of this missense change (SIFT: "Not Available"; PolyPhen-2: "Probably Damaging"; Align-GVGD: "Not Available"). In summary, the available evidence is currently insufficient to determine the role of this variant in disease. Therefore, it has been classified as a Variant of Uncertain Significance. This sequence change replaces aspartic acid with glycine at codon 512 of the TULP1 protein (p.Asp512Gly). The aspartic acid residue is highly conserved and there is a moderate physicochemical difference between aspartic acid and glycine.